The following is an entry in ClinVar:

NM_152383.5(DIS3L2):c.1384C>G (p.Leu462Val)

Gene: DIS3L2 (DIS3 like 3'-5' exoribonuclease 2; plus strand). Cytogenetic location: 2q37.1.
Variant type: single nucleotide variant.
Coding change: c.1384C>G on transcript NM_152383.5 (MANE Select); coding-DNA position 1384, C replaced by G.
Protein change: p.Leu462Val; replaces leucine 462 with valine.
Molecular consequence: missense variant. On other transcripts: non-coding transcript variant (2).
Genome position (GRCh38, 1-based): chr2:232,249,305, C>G. VCF-style: chr2-232249305-C-G. GRCh37 (hg19) VCF-style: chr2-233114015-C-G.
Other names: c.1384C>G, p.Leu462Val (NM_001257281.2); short protein forms L462V.
Identifiers: ClinVar variation 1472411 (VCV001472411.8), dbSNP rs2106264849, ClinGen allele CA351155493.

ClinVar aggregate classification (germline): Uncertain significance (1 of 4 stars; one submission).

Conditions:
Perlman syndrome (PRLMNS). Identifiers: Orphanet 2849, MedGen C0796113, MONDO:0009965, OMIM 267000.

Submission:

Labcorp Genetics (formerly Invitae), Labcorp
Classification: Uncertain significance for Perlman syndrome. Last evaluated: 2021-02-15. Review status: criteria provided, single submitter. Criteria: Invitae Variant Classification Sherloc (09022015). Collection method: clinical testing. Allele origin: germline.
Comment: Algorithms developed to predict the effect of sequence changes on RNA splicing suggest that this variant may create or strengthen a splice site, but this prediction has not been confirmed by published transcriptional studies. In summary, the available evidence is currently insufficient to determine the role of this variant in disease. Therefore, it has been classified as a Variant of Uncertain Significance. Algorithms developed to predict the effect of missense changes on protein structure and function are either unavailable or do not agree on the potential impact of this missense change (SIFT: "Tolerated"; PolyPhen-2: "Probably Damaging"; Align-GVGD: "Class C0"). This variant has not been reported in the literature in individuals with DIS3L2-related conditions. This variant is not present in population databases (ExAC no frequency). This sequence change replaces leucine with valine at codon 462 of the DIS3L2 protein (p.Leu462Val). The leucine residue is moderately conserved and there is a small physicochemical difference between leucine and valine.